The following is an entry in ClinVar:

ClinVar aggregate classification (germline): Uncertain significance. Review status: criteria provided, multiple submitters, no conflicts (2 of 4 stars). 8 submissions from 8 submitters: Uncertain significance (5). 3 of the submissions do not count toward it. Last evaluated 2024-11-11.

Conditions:
Spinocerebellar ataxia type 40. Identifiers: Orphanet 423275, MedGen C4518336, MONDO:0014475, OMIM 616053.
Hydrocephalus, nonsyndromic, autosomal recessive 1 (HYC1). Also called: Congenital hydrocephalus 1; Hydrocephalus, nonsyndromic, autosomal recessive. Identifiers: Orphanet 2185, MedGen C3887608, MONDO:0009360, OMIM 236600.
Inborn genetic diseases. Identifiers: MedGen C0950123, MeSH D030342.

Allele frequency attached by ClinVar (database versions not stated): 1000 Genomes Project 30x 0.00016; 1000 Genomes Project 0.00020; ESP Exome Variant Server 0.00042; ExAC 0.00056; gnomAD exomes 0.00060; TOPMed 0.00065; gnomAD 0.00073 and 0.00078.
gnomAD v4.1: 1,753 of 1,611,648 alleles (0.11%); highest among the groups gnomAD compares: Non-Finnish European, 0.14%; 3 homozygotes.

Submissions (8):

Labcorp Genetics (formerly Invitae), Labcorp
Classification: Uncertain significance. Last evaluated: 2024-11-11. Review status: criteria provided, single submitter. Criteria: Invitae Variant Classification Sherloc (09022015). Collection method: clinical testing. Allele origin: germline.
Comment: This sequence change replaces proline, which is neutral and non-polar, with leucine, which is neutral and non-polar, at codon 2009 of the CCDC88C protein (p.Pro2009Leu). This variant is present in population databases (rs201940261, gnomAD 0.1%), and has an allele count higher than expected for a pathogenic variant. This variant has not been reported in the literature in individuals affected with CCDC88C-related conditions. ClinVar contains an entry for this variant (Variation ID: 444336). An algorithm developed to predict the effect of missense changes on protein structure and function (PolyPhen-2) suggests that this variant is likely to be disruptive. In summary, the available evidence is currently insufficient to determine the role of this variant in disease. Therefore, it has been classified as a Variant of Uncertain Significance.

CeGaT Center for Human Genetics Tuebingen
Classification: Uncertain significance. Last evaluated: 2023-10-01. Review status: criteria provided, single submitter. Criteria: CeGaT Center For Human Genetics Tuebingen Variant Classification Criteria Version 2. Collection method: clinical testing. Allele origin: germline. Affected: yes. Observed: 2 variant alleles.

GeneDx
Classification: Uncertain significance. Last evaluated: 2023-06-14. Review status: criteria provided, single submitter. Criteria: GeneDx Variant Classification Process June 2021. Collection method: clinical testing. Allele origin: germline. Affected: yes.
Comment: Reported in the heterozygous state in a patient with cerebellar ataxia (Ghorbani et al., 2022); In silico analysis supports that this missense variant has a deleterious effect on protein structure/function; This variant is associated with the following publications: (PMID: 35401678)

Ambry Genetics
Classification: Uncertain significance for Inborn genetic diseases. Last evaluated: 2022-05-31. Review status: criteria provided, single submitter. Criteria: Ambry Variant Classification Scheme 2023. Collection method: clinical testing. Allele origin: germline.

Fulgent Genetics
Classification: Uncertain significance for Hydrocephalus, nonsyndromic, autosomal recessive 1; Spinocerebellar ataxia type 40. Last evaluated: 2018-10-31. Review status: criteria provided, single submitter. Criteria: ACMG Guidelines, 2015. Collection method: clinical testing. Allele origin: unknown.

O&I group, Department of Genetics, University Medical Center of Groningen
Classification: Uncertain significance for Spinocerebellar ataxia type 40. Last evaluated: 2021-07-22. Review status: no assertion criteria provided. Collection method: research. Allele origin: unknown. Not counted in ClinVar's aggregate classification.

Clinical Genetics DNA and cytogenetics Diagnostics Lab, Erasmus MC, Erasmus Medical Center
Classification: Uncertain significance. Review status: no assertion criteria provided. Collection method: clinical testing. Allele origin: germline. Affected: yes. Study: VKGL Data-share Consensus. Not counted in ClinVar's aggregate classification.

Diagnostic Laboratory, Department of Genetics, University Medical Center Groningen
Classification: Uncertain significance. Review status: no assertion criteria provided. Collection method: clinical testing. Allele origin: germline. Affected: yes. Study: VKGL Data-share Consensus. Not counted in ClinVar's aggregate classification.

Literature cited by the submitters: DOI 10.3389/fgene.2022.782685 (cited by O&I group, Department of Genetics, University Medical Center of Groningen).

NM_001080414.4(CCDC88C):c.6026C>T (p.Pro2009Leu)

Gene: CCDC88C (coiled-coil and HOOK domain protein 88C; minus strand). Cytogenetic location: 14q32.11.
Variant type: single nucleotide variant.
Coding change: c.6026C>T on transcript NM_001080414.4 (MANE Select); coding-DNA position 6026, C replaced by T.
Protein change: p.Pro2009Leu; replaces proline 2009 with leucine.
Molecular consequence: missense variant.
Genome position (GRCh38, 1-based): chr14:91,272,686, G>A on the plus strand (C>T on the coding strand, the complement: CCDC88C is on the minus strand). VCF-style: chr14-91272686-G-A. GRCh37 (hg19) VCF-style: chr14-91739030-G-A.
Other names: short protein forms P2009L.
Identifiers: ClinVar variation 444336 (VCV000444336.63), dbSNP rs201940261, ClinGen allele CA7308526.